The following is an entry in ClinVar:

ClinVar aggregate classification (germline): Likely pathogenic (1 of 4 stars; one submission).

Conditions:
Glycine encephalopathy. Also called: Nonketotic hyperglycinemia; Non-ketotic hyperglycinemia. Identifiers: Orphanet 407, MedGen C0751748, MONDO:0011612, HP:0008288.

Submission:

Natera, Inc.
Classification: Likely pathogenic for Non-ketotic hyperglycinemia. Last evaluated: 2025-05-05. Review status: criteria provided, single submitter. Criteria: Natera Variant Classification Schema (03/2026). Collection method: clinical testing. Allele origin: germline.
Comment: The c.2691G>T variant in GLDC is a missense variant predicted to cause substitution of tryptophan to cysteine at amino acid 897. This variant is rare in the general population with a frequency below the threshold expected for the associated phenotype(s). This variant has been observed in one or more individuals affected with the associated recessive disease, as either homozygous or compound heterozygous with a second variant (PMID: 21316884). This variant has been identified in one or more affected individuals with a phenotype highly consistent with the associated gene (PMID: 21316884). Computational prediction algorithms indicate this variant is likely to affect gene or protein function. Given the available evidence, this variant is classified as Likely Pathogenic.

Literature cited by the submitters: PubMed 21316884.

NM_000170.3(GLDC):c.2691G>T (p.Trp897Cys)

Gene: GLDC (glycine decarboxylase; minus strand). Cytogenetic location: 9p24.1.
Variant type: single nucleotide variant.
Coding change: c.2691G>T on transcript NM_000170.3 (MANE Select); coding-DNA position 2691, G replaced by T.
Protein change: p.Trp897Cys; replaces tryptophan 897 with cysteine.
Molecular consequence: missense variant.
Genome position (GRCh38, 1-based): chr9:6,536,211, C>A on the plus strand (G>T on the coding strand, the complement: GLDC is on the minus strand). VCF-style: chr9-6536211-C-A. GRCh37 (hg19) VCF-style: chr9-6536211-C-A.
Other names: short protein forms W897C.
Identifiers: ClinVar variation 4068647 (VCV004068647.2).